The following is an entry in ClinVar:

ClinVar aggregate classification (germline): Uncertain significance (1 of 4 stars; one submission).

Submission:

Mayo Clinic Laboratories, Mayo Clinic
Classification: Uncertain significance. Last evaluated: 2024-03-05. Review status: criteria provided, single submitter. Criteria: ACMG Guidelines, 2015. Collection method: clinical testing. Allele origin: germline. Observed: 1 variant allele.
Comment: BP5, PP2, PM2_moderate

NM_001356.5(DDX3X):c.499C>A (p.Pro167Thr)

Gene: DDX3X (DEAD-box helicase 3 X-linked; plus strand). Cytogenetic location: Xp11.4.
Variant type: single nucleotide variant.
Coding change: c.499C>A on transcript NM_001356.5 (MANE Select); coding-DNA position 499, C replaced by A.
Protein change: p.Pro167Thr; replaces proline 167 with threonine.
Molecular consequence: missense variant. On other transcripts: 5 prime UTR variant (1), non-coding transcript variant (1).
Genome position (GRCh38, 1-based): chrX:41,342,792, C>A. VCF-style: chrX-41342792-C-A. GRCh37 (hg19) VCF-style: chrX-41202045-C-A.
Other names: p.Pro167Thr; c.499C>A, p.Pro167Thr (NM_001193416.3); c.451C>A, p.Pro151Thr (NM_001193417.3); c.-60C>A (NM_001363819.1); short protein forms P151T, P167T.
Identifiers: ClinVar variation 3380739 (VCV003380739.1).